The following is an entry in ClinVar:

ClinVar aggregate classification (germline): Conflicting classifications of pathogenicity. Review status: criteria provided, conflicting classifications (1 of 4 stars). 4 submissions from 4 submitters: Uncertain significance (3); Likely benign (1). Last evaluated 2025-12-11.

Conditions:
Long QT syndrome (LQTS). Identifiers: MedGen C0023976, MeSH D008133, MONDO:0002442. Disease mechanism: loss of function. Inheritance: Various modes of inheritance.
Cardiovascular phenotype. Identifiers: MedGen CN230736.

Allele frequency attached by ClinVar (database versions not stated): gnomAD 0.00001; gnomAD exomes 0.00002; ExAC 0.00004.
gnomAD v4.1: 14 of 1,613,706 alleles (0.00087%); highest among the groups gnomAD compares: Non-Finnish European, 0.0011%; no homozygotes.

Submissions (4):

Ambry Genetics
Classification: Uncertain significance for Cardiovascular phenotype. Last evaluated: 2025-12-11. Review status: criteria provided, single submitter. Criteria: Ambry Variant Classification Scheme 2023. Collection method: clinical testing. Allele origin: germline.
Comment: The p.Q3064E variant (also known as c.9190C>G), located in coding exon 38 of the ANK2 gene, results from a C to G substitution at nucleotide position 9190. The glutamine at codon 3064 is replaced by glutamic acid, an amino acid with highly similar properties. This amino acid position is conserved. In addition, the in silico prediction for this alteration is inconclusive. Since supporting evidence is limited at this time, the clinical significance of this alteration remains unclear.

Labcorp Genetics (formerly Invitae), Labcorp
Classification: Uncertain significance for Long QT syndrome. Last evaluated: 2024-10-23. Review status: criteria provided, single submitter. Criteria: Invitae Variant Classification Sherloc (09022015). Collection method: clinical testing. Allele origin: germline.
Comment: This sequence change replaces glutamine, which is neutral and polar, with glutamic acid, which is acidic and polar, at codon 3064 of the ANK2 protein (p.Gln3064Glu). This variant is present in population databases (rs757030067, gnomAD 0.005%). This variant has not been reported in the literature in individuals affected with ANK2-related conditions. ClinVar contains an entry for this variant (Variation ID: 1315739). An algorithm developed to predict the effect of missense changes on protein structure and function (PolyPhen-2) suggests that this variant is likely to be disruptive. In summary, the available evidence is currently insufficient to determine the role of this variant in disease. Therefore, it has been classified as a Variant of Uncertain Significance.

GeneDx
Classification: Uncertain significance. Last evaluated: 2019-10-10. Review status: criteria provided, single submitter. Criteria: GeneDx Variant Classification Process June 2021. Collection method: clinical testing. Allele origin: germline. Affected: yes.
Comment: Not observed at a significant frequency in large population cohorts (Lek et al., 2016); In silico analysis, which includes protein predictors and evolutionary conservation, supports that this variant does not alter protein structure/function; Has not been previously published as pathogenic or benign to our knowledge

Blueprint Genetics
Classification: Likely benign. Last evaluated: 2019-02-09. Review status: criteria provided, single submitter. Criteria: ACMG Guidelines, 2015. Collection method: clinical testing. Allele origin: germline.

NM_001148.6(ANK2):c.9190C>G (p.Gln3064Glu)

Gene: ANK2 (ankyrin 2; plus strand). Cytogenetic location: 4q26.
Variant type: single nucleotide variant.
Coding change: c.9190C>G on transcript NM_001148.6 (MANE Select); coding-DNA position 9190, C replaced by G.
Protein change: p.Gln3064Glu; replaces glutamine 3064 with glutamic acid.
Molecular consequence: missense variant. On other transcripts: intron variant (68).
Genome position (GRCh38, 1-based): chr4:113,357,808, C>G. VCF-style: chr4-113357808-C-G. GRCh37 (hg19) VCF-style: chr4-114278964-C-G.
Other names: c.8956C>G, p.Gln2986Glu (NM_001386142.1); c.5590C>G, p.Gln1864Glu (NM_001386166.1); c.9331C>G, p.Gln3111Glu (NM_001386174.1); c.9307C>G, p.Gln3103Glu (NM_001386175.1); c.4412-3015C>G (NM_001386186.2, NM_001386148.2); c.4214-3015C>G (NM_001354269.3); c.4292-3015C>G (NM_001386187.2); c.4253-3015C>G (NM_001386147.1); and 35 more; short protein forms Q1864E, Q2986E, Q3064E, Q3103E, Q3111E.
Identifiers: ClinVar variation 1315739 (VCV001315739.8), dbSNP rs757030067, ClinGen allele CA3051882.